The following is an entry in ClinVar:

ClinVar aggregate classification (germline): Conflicting classifications of pathogenicity. Review status: criteria provided, conflicting classifications (1 of 4 stars). 5 submissions from 5 submitters: Pathogenic (1); Likely pathogenic (2); Likely benign (2). Last evaluated 2026-10-23.

Conditions:
PMM2-congenital disorder of glycosylation. Also called: Congenital disorder of glycosylation, type Ia; CDG Ia; JAEKEN SYNDROME; PHOSPHOMANNOMUTASE 2 DEFICIENCY; CARBOHYDRATE-DEFICIENT GLYCOPROTEIN SYNDROME, TYPE Ia; PMM2-CDG. Identifiers: Orphanet 79318, MedGen C0349653, MONDO:0008907, OMIM 212065.

gnomAD v4.1: 3 of 1,553,628 alleles (0.00019%); highest among the groups gnomAD compares: East Asian, 0.0022%; no homozygotes.

Submissions (5):

GeneDx
Classification: Likely pathogenic. Last evaluated: 2026-10-23. Review status: criteria provided, single submitter. Criteria: GeneDx Variant Classification Process June 2021. Collection method: clinical testing. Allele origin: germline.
Comment: RNA studies demonstrate a damaging effect: c.640-23 A>G results in leaky splicing leading to a proportion of transcripts lacking exon 8 (PMID: 16376131); In silico analysis supports a deleterious effect on splicing; Not observed at significant frequency in large population cohorts (gnomAD); This variant is associated with the following publications: (PMID: 38587076, 34682117, 33643843, 37224763, 16376131)

Women's Health and Genetics/Laboratory Corporation of America, LabCorp
Classification: Likely benign. Last evaluated: 2026-01-07. Review status: criteria provided, single submitter. Criteria: LabCorp Variant Classification Summary - May 2015. Collection method: clinical testing. Allele origin: germline.
Comment: Variant summary: PMM2 c.640-23A>G is located at a position not widely known to affect splicing. Consensus agreement among computation tools predict no significant impact on normal splicing. However, these predictions have yet to be confirmed by functional studies. The variant was absent in 250552 control chromosomes. The available data on variant occurrences in the general population are insufficient to allow any conclusion about variant significance. c.640-23A>G has been observed in individuals affected with Congenital Disorder Of Glycosylation Type 1a without strong evidence for causality (Vuillaumier-Barrot_2006, Lipinski_2021). These data do not allow any conclusion about variant significance. To our knowledge, no experimental evidence demonstrating an impact on protein function has been reported. The following publications have been ascertained in the context of this evaluation (PMID: 33643843, 16376131). ClinVar contains an entry for this variant (Variation ID: 1090749). Based on the evidence outlined above, the variant was classified as likely benign.

Baylor Genetics
Classification: Likely pathogenic for PMM2-congenital disorder of glycosylation. Last evaluated: 2023-11-03. Review status: criteria provided, single submitter. Criteria: ACMG Guidelines, 2015. Collection method: clinical testing. Allele origin: unknown.

Labcorp Genetics (formerly Invitae), Labcorp
Classification: Likely benign for PMM2-congenital disorder of glycosylation. Last evaluated: 2023-10-26. Review status: criteria provided, single submitter. Criteria: Invitae Variant Classification Sherloc (09022015). Collection method: clinical testing. Allele origin: germline.

Neurometabolic Diseases Laboratory, Bellvitge Biomedical Research Institute (IDIBELL)
Classification: Pathogenic for PMM2-congenital disorder of glycosylation. Last evaluated: 2023-04-27. Review status: criteria provided, single submitter. Criteria: ACMG Guidelines, 2015. Collection method: research. Allele origin: germline. Affected: yes.

Literature cited by the submitters: PubMed 16376131 (cited by Women's Health and Genetics/Laboratory Corporation of America, LabCorp); PubMed 33643843 (cited by Women's Health and Genetics/Laboratory Corporation of America, LabCorp).

NM_000303.3(PMM2):c.640-23A>G

Gene: PMM2 (phosphomannomutase 2; plus strand). Cytogenetic location: 16p13.2.
Variant type: single nucleotide variant.
Coding change: c.640-23A>G on transcript NM_000303.3 (MANE Select); 23 bases into the intron before coding-DNA position 640, A replaced by G.
Molecular consequence: intron variant.
Genome position (GRCh38, 1-based): chr16:8,847,701, A>G. VCF-style: chr16-8847701-A-G. GRCh37 (hg19) VCF-style: chr16-8941558-A-G.
Other names: c.640-23A>G (NM_000303.2).
Identifiers: ClinVar variation 1090749 (VCV001090749.40), dbSNP rs981372486, ClinGen allele CA493489284.
Genomic context (GRCh38, chr16:8,847,701, plus strand): 5'-GTACTTTTGGACTCCAGGGTCACATCAGCAATGGCCCGGGACAGACGAGGGGGAGCCTTC[A>G]TCTGTACTTCGTGTCTTTCCAGGGTGGCAATGACCATGAGATCTTCACAGACCCCAGAAC-3'